The following is an entry in ClinVar:

ClinVar aggregate classification (germline): Uncertain significance (1 of 4 stars; one submission).

Conditions:
Neuropathy, hereditary sensory and autonomic, type 2A (HSAN2A). Also called: ACROOSTEOLYSIS, GIACCAI TYPE; ACROOSTEOLYSIS, NEUROGENIC; MORVAN DISEASE; NEUROPATHY, CONGENITAL SENSORY; NEUROPATHY, HEREDITARY SENSORY RADICULAR, AUTOSOMAL RECESSIVE; NEUROPATHY, HEREDITARY SENSORY, TYPE IIA. Identifiers: Orphanet 970, MedGen C2752089, MONDO:0024309, OMIM 201300.
Pseudohypoaldosteronism type 2C (PHA2C). Also called: Pseudohypoaldosteronism Type IIC. Identifiers: Orphanet 757, Orphanet 88940, MedGen C1840391, MONDO:0013778, OMIM 614492.

Submission:

Labcorp Genetics (formerly Invitae), Labcorp
Classification: Uncertain significance for Neuropathy, hereditary sensory and autonomic, type 2A; Pseudohypoaldosteronism type 2C. Last evaluated: 2020-12-25. Review status: criteria provided, single submitter. Criteria: Invitae Variant Classification Sherloc (09022015). Collection method: clinical testing. Allele origin: germline.
Comment: This sequence change replaces tyrosine with cysteine at codon 2528 of the WNK1 protein (p.Tyr2528Cys). The tyrosine residue is moderately conserved and there is a large physicochemical difference between tyrosine and cysteine. The frequency data for this variant in the population databases is not available, as this variant may be reported as separate entries in the ExAC database. This variant has not been reported in the literature in individuals with WNK1-related conditions. Experimental studies and prediction algorithms are not available or were not evaluated, and the functional significance of this variant is currently unknown. Algorithms developed to predict the effect of sequence changes on RNA splicing suggest that this variant may create or strengthen a splice site, but this prediction has not been confirmed by published transcriptional studies. In summary, the available evidence is currently insufficient to determine the role of this variant in disease. Therefore, it has been classified as a Variant of Uncertain Significance.

NM_018979.4(WNK1):c.6827_6828inv (p.Tyr2276Cys)

Gene: WNK1 (WNK lysine deficient protein kinase 1; plus strand). Cytogenetic location: 12p13.33.
Variant type: Inversion.
Coding change: c.6827_6828inv on transcript NM_018979.4 (MANE Select).
Protein change: p.Tyr2276Cys; replaces tyrosine 2276 with cysteine.
Molecular consequence: missense variant.
Genome position: GRCh38 VCF-style: chr12-908030-AC-GT. GRCh37 (hg19) VCF-style: chr12-1017196-AC-GT.
Other names: c.7607_7608inv, p.Tyr2536Cys (NM_001184985.2); c.6083_6084inv, p.Tyr2028Cys (NM_014823.3); c.7583_7584inv, p.Tyr2528Cys (NM_213655.5); short protein forms Y2028C, Y2276C, Y2528C, Y2536C.
Identifiers: ClinVar variation 1484223 (VCV001484223.5), ClinGen allele CA2573148371.